The following is an entry in ClinVar:

ClinVar aggregate classification (germline): Uncertain significance (1 of 4 stars; one submission).

Submission:

GeneDx
Classification: Uncertain significance. Last evaluated: 2022-10-27. Review status: criteria provided, single submitter. Criteria: GeneDx Variant Classification Process June 2021. Collection method: clinical testing. Allele origin: germline. Affected: yes.
Comment: Not observed at significant frequency in large population cohorts (gnomAD); In silico analysis supports that this missense variant does not alter protein structure/function; Has not been previously published as pathogenic or benign to our knowledge

NM_003107.3(SOX4):c.649A>C (p.Lys217Gln)

Gene: SOX4 (SRY-box transcription factor 4; plus strand). Cytogenetic location: 6p22.3.
Variant type: single nucleotide variant.
Coding change: c.649A>C on transcript NM_003107.3 (MANE Select); coding-DNA position 649, A replaced by C.
Protein change: p.Lys217Gln; replaces lysine 217 with glutamine.
Molecular consequence: missense variant.
Genome position (GRCh38, 1-based): chr6:21,595,183, A>C. VCF-style: chr6-21595183-A-C. GRCh37 (hg19) VCF-style: chr6-21595414-A-C.
Other names: short protein forms K217Q.
Identifiers: ClinVar variation 2500444 (VCV002500444.1), dbSNP rs2532640210, ClinGen allele CA363271050.